The following is an entry in ClinVar:

ClinVar aggregate classification (germline): Conflicting classifications of pathogenicity. Review status: criteria provided, conflicting classifications (1 of 4 stars). 7 submissions from 7 submitters: Uncertain significance (1); Likely benign (3). 3 of the submissions do not count toward it. Last evaluated 2026-01-12.

Allele frequency attached by ClinVar (database versions not stated): 1000 Genomes Project 0.00020; 1000 Genomes Project 30x 0.00031; gnomAD 0.00062 and 0.00063; TOPMed 0.00071; ExAC 0.00084.

Submissions (7):

Labcorp Genetics (formerly Invitae), Labcorp
Classification: Likely benign. Last evaluated: 2026-01-12. Review status: criteria provided, single submitter. Criteria: Invitae Variant Classification Sherloc (09022015). Collection method: clinical testing. Allele origin: germline.

CeGaT Center for Human Genetics Tuebingen
Classification: Likely benign. Last evaluated: 2025-12-01. Review status: criteria provided, single submitter. Criteria: CeGaT Center For Human Genetics Tuebingen Variant Classification Criteria Version 2. Collection method: clinical testing. Allele origin: germline. Affected: yes. Observed: 5 variant alleles.
Comment: MAGEL2: BS1

Blueprint Genetics
Classification: Likely benign. Last evaluated: 2024-11-06. Review status: criteria provided, single submitter. Criteria: ACMG Guidelines, 2015. Collection method: clinical testing. Allele origin: germline.

Genetic Services Laboratory, University of Chicago
Classification: Uncertain significance. Last evaluated: 2015-11-09. Review status: criteria provided, single submitter. Criteria: ACMG Guidelines, 2015. Collection method: clinical testing. Allele origin: germline. Affected: no.

Clinical Genetics DNA and cytogenetics Diagnostics Lab, Erasmus MC, Erasmus Medical Center
Classification: Likely benign. Review status: no assertion criteria provided. Collection method: clinical testing. Allele origin: germline. Affected: yes. Study: VKGL Data-share Consensus. Not counted in ClinVar's aggregate classification.

Clinical Genetics, Academic Medical Center
Classification: Likely benign. Review status: no assertion criteria provided. Collection method: clinical testing. Allele origin: germline. Affected: yes. Study: VKGL Data-share Consensus. Not counted in ClinVar's aggregate classification.

Genome Diagnostics Laboratory, University Medical Center Utrecht
Classification: Likely benign. Review status: no assertion criteria provided. Collection method: clinical testing. Allele origin: germline. Affected: yes. Study: VKGL Data-share Consensus. Not counted in ClinVar's aggregate classification.

NM_019066.5(MAGEL2):c.919C>T (p.Pro307Ser)

Gene: MAGEL2 (MAGE family member L2; minus strand). Cytogenetic location: 15q11.2.
Variant type: single nucleotide variant.
Coding change: c.919C>T on transcript NM_019066.5 (MANE Select); coding-DNA position 919, C replaced by T.
Protein change: p.Pro307Ser; replaces proline 307 with serine.
Molecular consequence: missense variant.
Genome position (GRCh38, 1-based): chr15:23,646,824, G>A on the plus strand (C>T on the coding strand, the complement: MAGEL2 is on the minus strand). VCF-style: chr15-23646824-G-A. GRCh37 (hg19) VCF-style: chr15-23891971-G-A.
Other names: short protein forms P307S.
Identifiers: ClinVar variation 435799 (VCV000435799.43), dbSNP rs555920534, ClinGen allele CA7430067.